The following is an entry in ClinVar:

NM_015158.5(KANK1):c.685G>A (p.Ala229Thr)

Gene: KANK1 (KN motif and ankyrin repeat domains 1; plus strand). Cytogenetic location: 9p24.3.
Variant type: single nucleotide variant.
Coding change: c.685G>A on transcript NM_015158.5 (MANE Select); coding-DNA position 685, G replaced by A.
Protein change: p.Ala229Thr; replaces alanine 229 with threonine.
Molecular consequence: missense variant. On other transcripts: non-coding transcript variant (1).
Genome position (GRCh38, 1-based): chr9:711,451, G>A. VCF-style: chr9-711451-G-A. GRCh37 (hg19) VCF-style: chr9-711451-G-A.
Other names: c.685G>A, p.Ala229Thr (NM_001256876.3, NM_001256877.3, NM_001354331.2 and 2 more transcripts); c.211G>A, p.Ala71Thr (NM_001354333.2, NM_001354335.2, NM_001354336.2 and 9 more transcripts); short protein forms A229T, A71T.
Identifiers: ClinVar variation 2901224 (VCV002901224.3), dbSNP rs1225740820, ClinGen allele CA372746659.

ClinVar aggregate classification (germline): Uncertain significance (1 of 4 stars; one submission).

Allele frequency attached by ClinVar (database versions not stated): gnomAD 0.00001; TOPMed 0.00001.

Submission:

Labcorp Genetics (formerly Invitae), Labcorp
Classification: Uncertain significance. Last evaluated: 2023-05-20. Review status: criteria provided, single submitter. Criteria: Invitae Variant Classification Sherloc (09022015). Collection method: clinical testing. Allele origin: germline.
Comment: In summary, the available evidence is currently insufficient to determine the role of this variant in disease. Therefore, it has been classified as a Variant of Uncertain Significance. Algorithms developed to predict the effect of missense changes on protein structure and function output the following: SIFT: "Not Available"; PolyPhen-2: "Benign"; Align-GVGD: "Not Available". The threonine amino acid residue is found in multiple mammalian species, which suggests that this missense change does not adversely affect protein function. This variant has not been reported in the literature in individuals affected with KANK1-related conditions. This variant is not present in population databases (gnomAD no frequency). This sequence change replaces alanine, which is neutral and non-polar, with threonine, which is neutral and polar, at codon 229 of the KANK1 protein (p.Ala229Thr).